The following is an entry in ClinVar:

ClinVar aggregate classification (germline): Uncertain significance (1 of 4 stars; one submission).

Conditions:
Hereditary cancer-predisposing syndrome. Also called: Neoplastic Syndromes, Hereditary; Tumor predisposition; Hereditary Cancer Syndrome; Hereditary neoplastic syndrome. Identifiers: Orphanet 140162, MedGen C0027672, MeSH D009386, MONDO:0015356.

Submission:

Ambry Genetics
Classification: Uncertain significance for Hereditary cancer-predisposing syndrome. Last evaluated: 2021-10-11. Review status: criteria provided, single submitter. Criteria: Ambry Variant Classification Scheme 2023. Collection method: clinical testing. Allele origin: germline.
Comment: The p.V1085E variant (also known as c.3254T>A), located in coding exon 16 of the BLM gene, results from a T to A substitution at nucleotide position 3254. The valine at codon 1085 is replaced by glutamic acid, an amino acid with dissimilar properties. This amino acid position is conserved. In addition, the in silico prediction for this alteration is inconclusive. Since supporting evidence is limited at this time, the clinical significance of this alteration remains unclear.

NM_000057.4(BLM):c.3254T>A (p.Val1085Glu)

Gene: BLM (BLM RecQ like helicase; plus strand). Cytogenetic location: 15q26.1.
Variant type: single nucleotide variant.
Coding change: c.3254T>A on transcript NM_000057.4 (MANE Select); coding-DNA position 3254, T replaced by A.
Protein change: p.Val1085Glu; replaces valine 1085 with glutamic acid.
Molecular consequence: missense variant.
Genome position (GRCh38, 1-based): chr15:90,798,233, T>A. VCF-style: chr15-90798233-T-A. GRCh37 (hg19) VCF-style: chr15-91341463-T-A.
Other names: c.3254T>A, p.Val1085Glu (NM_001287246.2, NM_001287247.2); c.2129T>A, p.Val710Glu (NM_001287248.2); short protein forms V1085E, V710E.
Identifiers: ClinVar variation 1729450 (VCV001729450.2), dbSNP rs2151190324, ClinGen allele CA393847191.